The following is an entry in ClinVar:

ClinVar aggregate classification (germline): Conflicting classifications of pathogenicity. Review status: criteria provided, conflicting classifications (1 of 4 stars). 4 submissions from 4 submitters: Uncertain significance (1); Likely benign (1). 2 of the submissions do not count toward it. Last evaluated 2025-09-09.

Conditions:
Breast-ovarian cancer, familial, susceptibility to, 2 (BROVCA2). Also called: BRCA2 Hereditary Breast and Ovarian Cancer. Identifiers: Orphanet 145, MedGen C2675520, MONDO:0012933, OMIM 612555. Disease mechanism: loss of function.
Hereditary cancer-predisposing syndrome. Also called: Neoplastic Syndromes, Hereditary; Tumor predisposition; Hereditary Cancer Syndrome; Hereditary neoplastic syndrome. Identifiers: Orphanet 140162, MedGen C0027672, MeSH D009386, MONDO:0015356.

Allele frequency attached by ClinVar (database versions not stated): gnomAD exomes below 0.00001.
gnomAD v4.1: 1 of 1,613,866 alleles (0.000062%); highest among the groups gnomAD compares: Non-Finnish European, 0.000085%; no homozygotes.

Submissions (4):

Ambry Genetics
Classification: Uncertain significance for Hereditary cancer-predisposing syndrome. Last evaluated: 2025-09-09. Review status: criteria provided, single submitter. Criteria: Ambry Variant Classification Scheme 2023. Collection method: clinical testing. Allele origin: germline.
Comment: The p.V1497D variant (also known as c.4490T>A), located in coding exon 10 of the BRCA2 gene, results from a T to A substitution at nucleotide position 4490. The valine at codon 1497 is replaced by aspartic acid, an amino acid with highly dissimilar properties. This amino acid position is conserved. In addition, this alteration is predicted to be tolerated by in silico analysis. Since supporting evidence is limited at this time, the clinical significance of this alteration remains unclear.

University of Washington Department of Laboratory Medicine, University of Washington
Classification: Likely benign for Hereditary cancer-predisposing syndrome. Last evaluated: 2023-03-23. Review status: criteria provided, single submitter. Criteria: Dines et al. (Genet Med. 2020). Collection method: curation. Allele origin: germline.
Comment: Missense variant in a coldspot region where missense variants are very unlikely to be pathogenic (PMID:31911673).

BRCA2 exon 11 coldspot. Reclassification based on statistical prior probability.

Sharing Clinical Reports Project (SCRP)
Classification: Uncertain significance for Breast-ovarian cancer, familial 2. Last evaluated: 2007-11-28. Review status: no assertion criteria provided. Collection method: clinical testing. Allele origin: germline. Not counted in ClinVar's aggregate classification.

Breast Cancer Information Core (BIC) (BRCA2)
Classification: Uncertain significance for Breast-ovarian cancer, familial 2. Last evaluated: 2004-02-20. Review status: no assertion criteria provided. Collection method: clinical testing. Allele origin: germline. Affected: yes. Observed: 1 variant allele. Not counted in ClinVar's aggregate classification.

NM_000059.4(BRCA2):c.4490T>A (p.Val1497Asp)

Gene: BRCA2 (BRCA2 DNA repair associated; plus strand). Cytogenetic location: 13q13.1.
Variant type: single nucleotide variant.
Coding change: c.4490T>A on transcript NM_000059.4 (MANE Select); coding-DNA position 4490, T replaced by A.
Protein change: p.Val1497Asp; replaces valine 1497 with aspartic acid.
Molecular consequence: missense variant.
Genome position (GRCh38, 1-based): chr13:32,338,845, T>A. VCF-style: chr13-32338845-T-A. GRCh37 (hg19) VCF-style: chr13-32912982-T-A.
Other names: 4718T>A; short protein forms V1497D.
Identifiers: ClinVar variation 51656 (VCV000051656.7), dbSNP rs80358681, ClinGen allele CA020279.